The following is an entry in ClinVar:

NM_003289.4(TPM2):c.*25A>C

Gene: TPM2 (tropomyosin 2; minus strand). Cytogenetic location: 9p13.3.
Variant type: single nucleotide variant.
Coding change: c.*25A>C on transcript NM_003289.4 (MANE Select); 25 bases downstream of the stop codon, A replaced by C.
Molecular consequence: 3 prime UTR variant. On other transcripts: intron variant (2).
Genome position (GRCh38, 1-based): chr9:35,683,134, T>G on the plus strand (A>C on the coding strand, the complement: TPM2 is on the minus strand). VCF-style: chr9-35683134-T-G. GRCh37 (hg19) VCF-style: chr9-35683131-T-G.
Other names: c.773-971A>C (NM_213674.1, NM_001301226.2); c.*25A>C (NM_001301227.2).
Identifiers: ClinVar variation 366766 (VCV000366766.5), dbSNP rs781513152, ClinGen allele CA5047140.

ClinVar aggregate classification (germline): Conflicting classifications of pathogenicity. Review status: criteria provided, conflicting classifications (1 of 4 stars). 2 submissions from 1 submitter: Uncertain significance (1); Likely benign (1). Last evaluated 2018-01-12.

Conditions:
Arthrogryposis, distal, type 1A. Also called: ARTHROGRYPOSIS MULTIPLEX CONGENITA, DISTAL, TYPE I. Identifiers: Orphanet 1146, MedGen C6022280, MONDO:0007157, OMIM 108120.
Congenital myopathy 23 (CMYO23). Also called: CAP MYOPATHY 2; NEMALINE MYOPATHY 4; Nemaline myopathy 4, autosomal dominant. Identifiers: MedGen C1836447, MONDO:0012240, OMIM 609285.

Allele frequency attached by ClinVar (database versions not stated): gnomAD 0.00012; TOPMed 0.00012; gnomAD exomes 0.00014 and 0.00038; ExAC 0.00042.
gnomAD v4.1: 221 of 1,551,976 alleles (0.014%); highest among the groups gnomAD compares: Non-Finnish European, 0.0025%; no homozygotes.

Submissions (2):

Illumina Laboratory Services, Illumina
Classification: Likely benign for Congenital myopathy 23. Last evaluated: 2018-01-12. Review status: criteria provided, single submitter. Criteria: ICSL Variant Classification Criteria 13 December 2019. Collection method: clinical testing. Allele origin: germline.
Comment: This variant was observed in the ICSL laboratory as part of a predisposition screen in an ostensibly healthy population. It had not been previously curated by ICSL or reported in the Human Gene Mutation Database (HGMD: prior to June 1st, 2018), and was therefore a candidate for classification through an automated scoring system. Utilizing variant allele frequency, disease prevalence and penetrance estimates, and inheritance mode, an automated score was calculated to assess if this variant is too frequent to cause the disease. Based on the score and internal cut-off values, a variant classified as likely benign is not then subjected to further curation. The score for this variant resulted in a classification of likely benign for this disease.

Illumina Laboratory Services, Illumina
Classification: Uncertain significance for Arthrogryposis, distal, type 1A. Last evaluated: 2018-01-12. Review status: criteria provided, single submitter. Criteria: ICSL Variant Classification Criteria 13 December 2019. Collection method: clinical testing. Allele origin: germline.